The following is an entry in ClinVar:

ClinVar aggregate classification (germline): Likely benign (1 of 4 stars; one submission).

Allele frequency attached by ClinVar (database versions not stated): gnomAD 0.01581 and 0.01701; TOPMed 0.01588; 1000 Genomes Project 30x 0.02733; 1000 Genomes Project 0.02975.
gnomAD v4.1: 2,697 of 152,262 alleles (1.8%); highest among the groups gnomAD compares: East Asian, 6.5%; 51 homozygotes.

Submission:

GeneDx
Classification: Likely benign. Last evaluated: 2018-06-14. Review status: criteria provided, single submitter. Criteria: GeneDx Variant Classification (06012015). Collection method: clinical testing. Allele origin: germline. Affected: yes.
Comment: This variant is considered likely benign or benign based on one or more of the following criteria: it is a conservative change, it occurs at a poorly conserved position in the protein, it is predicted to be benign by multiple in silico algorithms, and/or has population frequency not consistent with disease.

NM_203447.4(DOCK8):c.2440+327G>A

Gene: DOCK8 (dedicator of cytokinesis 8; plus strand). Cytogenetic location: 9p24.3.
Variant type: single nucleotide variant.
Coding change: c.2440+327G>A on transcript NM_203447.4 (MANE Select); 327 bases into the intron after coding-DNA position 2440, G replaced by A.
Molecular consequence: intron variant.
Genome position (GRCh38, 1-based): chr9:377,538, G>A. VCF-style: chr9-377538-G-A. GRCh37 (hg19) VCF-style: chr9-377538-G-A.
Other names: c.2236+327G>A (NM_001193536.2, NM_001190458.2).
Identifiers: ClinVar variation 672943 (VCV000672943.1), dbSNP rs76132913, ClinGen allele CA187815298.